The following is an entry in ClinVar:

ClinVar aggregate classification (germline): Uncertain significance. Review status: criteria provided, multiple submitters, no conflicts (2 of 4 stars). 3 submissions from 3 submitters: Uncertain significance (3). Last evaluated 2023-09-15.

Conditions:
Long QT syndrome (LQTS). Identifiers: MedGen C0023976, MeSH D008133, MONDO:0002442. Disease mechanism: loss of function. Inheritance: Various modes of inheritance.

gnomAD v4.1: 1 of 1,350,792 alleles (0.000074%); highest among the groups gnomAD compares: South Asian, 0.0019%; no homozygotes.

Submissions (3):

Labcorp Genetics (formerly Invitae), Labcorp
Classification: Uncertain significance for Long QT syndrome. Last evaluated: 2023-09-15. Review status: criteria provided, single submitter. Criteria: Invitae Variant Classification Sherloc (09022015). Collection method: clinical testing. Allele origin: germline.
Comment: Advanced modeling of protein sequence and biophysical properties (such as structural, functional, and spatial information, amino acid conservation, physicochemical variation, residue mobility, and thermodynamic stability) has been performed at Invitae for this missense variant, however the output from this modeling did not meet the statistical confidence thresholds required to predict the impact of this variant on KCNQ1 protein function. In summary, the available evidence is currently insufficient to determine the role of this variant in disease. Therefore, it has been classified as a Variant of Uncertain Significance. ClinVar contains an entry for this variant (Variation ID: 502107). This variant has not been reported in the literature in individuals affected with KCNQ1-related conditions. This variant is not present in population databases (gnomAD no frequency). This sequence change replaces proline, which is neutral and non-polar, with serine, which is neutral and polar, at codon 64 of the KCNQ1 protein (p.Pro64Ser).

GeneDx
Classification: Uncertain significance. Last evaluated: 2020-01-31. Review status: criteria provided, single submitter. Criteria: GeneDx Variant Classification Process June 2021. Collection method: clinical testing. Allele origin: germline. Affected: yes.
Comment: Has not been previously published as pathogenic or benign to our knowledge; Not observed in large population cohorts (Lek et al., 2016); Reported in ClinVar as a variant of uncertain significance (ClinVar Variant ID#502107; Landrum et al., 2016); In silico analysis supports that this missense variant does not alter protein structure/function

Eurofins Ntd Llc (ga)
Classification: Uncertain significance. Last evaluated: 2017-05-26. Review status: criteria provided, single submitter. Criteria: EGL Classification Definitions 2015. Collection method: clinical testing. Allele origin: germline. Observed: 1 variant allele, 1 heterozygote.

NM_000218.3(KCNQ1):c.190C>T (p.Pro64Ser)

Gene: KCNQ1 (potassium voltage-gated channel subfamily Q member 1; plus strand). Cytogenetic location: 11p15.5.
Variant type: single nucleotide variant.
Coding change: c.190C>T on transcript NM_000218.3 (MANE Select); coding-DNA position 190, C replaced by T.
Protein change: p.Pro64Ser; replaces proline 64 with serine.
Molecular consequence: missense variant.
Genome position (GRCh38, 1-based): chr11:2,445,288, C>T. VCF-style: chr11-2445288-C-T. GRCh37 (hg19) VCF-style: chr11-2466518-C-T.
Other names: short protein forms P64S.
Identifiers: ClinVar variation 502107 (VCV000502107.12), dbSNP rs1554958062, ClinGen allele CA379116584.
Genomic context (GRCh38, chr11:2,445,288, plus strand): 5'-GGCCCGGCGGGCGGCGCGCTCTACGCGCCCATCGCGCCCGGCGCCCCAGGTCCCGCGCCC[C>T]CTGCGTCCCCGGCCGCGCCCGCCGCGCCCCCAGTTGCCTCCGACCTTGGCCCGCGGCCGC-3'
Protein context (NP_000209.2, residues 54-74): IAPGAPGPAP[Pro64Ser]ASPAAPAAPP